The following is an entry in ClinVar:

NM_000321.3(RB1):c.553A>G (p.Ile185Val)

Gene: RB1 (RB transcriptional corepressor 1; plus strand). Cytogenetic location: 13q14.2.
Variant type: single nucleotide variant.
Coding change: c.553A>G on transcript NM_000321.3 (MANE Select); coding-DNA position 553, A replaced by G.
Protein change: p.Ile185Val; replaces isoleucine 185 with valine.
Molecular consequence: missense variant.
Genome position (GRCh38, 1-based): chr13:48,348,969, A>G. VCF-style: chr13-48348969-A-G. GRCh37 (hg19) VCF-style: chr13-48923105-A-G.
Other names: c.553A>G, p.Ile185Val (NM_001407165.1, NM_001407166.1); short protein forms I185V.
Identifiers: ClinVar variation 2819965 (VCV002819965.3), dbSNP rs2542165757, ClinGen allele CA388156904.
Genomic context (GRCh38, chr13:48,348,969, plus strand): 5'-GTGATACATTTTTCCTGTTTTTTTTCTGCTTTCTATTTGTTTAATAGGATATCTACTGAA[A>G]TAAATTCTGCATTGGTGCTAAAAGTTTCTTGGATCACATTTTTATTAGCTAAAGGTAAGT-3'
Protein context (NP_000312.2, residues 175-195): TQPSSSISTE[Ile185Val]NSALVLKVSW

ClinVar aggregate classification (germline): Uncertain significance (1 of 4 stars; one submission).

Conditions:
Retinoblastoma (RB1). Also called: RETINOBLASTOMA, SOMATIC. Identifiers: Orphanet 790, MedGen C0035335, MeSH D012175, MONDO:0008380, OMIM 180200, HP:0009919. Disease mechanism: loss of function. Inheritance: Both sporadic and heritable forms are tested..

Submission:

Labcorp Genetics (formerly Invitae), Labcorp
Classification: Uncertain significance for Retinoblastoma. Last evaluated: 2022-12-10. Review status: criteria provided, single submitter. Criteria: Invitae Variant Classification Sherloc (09022015). Collection method: clinical testing. Allele origin: germline.
Comment: In summary, the available evidence is currently insufficient to determine the role of this variant in disease. Therefore, it has been classified as a Variant of Uncertain Significance. Advanced modeling of protein sequence and biophysical properties (such as structural, functional, and spatial information, amino acid conservation, physicochemical variation, residue mobility, and thermodynamic stability) performed at Invitae indicates that this missense variant is not expected to disrupt RB1 protein function. This variant has not been reported in the literature in individuals affected with RB1-related conditions. This variant is not present in population databases (gnomAD no frequency). This sequence change replaces isoleucine, which is neutral and non-polar, with valine, which is neutral and non-polar, at codon 185 of the RB1 protein (p.Ile185Val).